The following is an entry in ClinVar:

ClinVar aggregate classification (germline): Uncertain significance (1 of 4 stars; one submission).

Submission:

CeGaT Center for Human Genetics Tuebingen
Classification: Uncertain significance. Last evaluated: 2024-02-01. Review status: criteria provided, single submitter. Criteria: CeGaT Center For Human Genetics Tuebingen Variant Classification Criteria Version 2. Collection method: clinical testing. Allele origin: germline. Affected: yes. Observed: 1 variant allele.
Comment: TUBA4A: PM2, PP3

NM_006000.3(TUBA4A):c.970G>A (p.Val324Met)

Gene: TUBA4A (tubulin alpha 4a; minus strand). Cytogenetic location: 2q35.
Variant type: single nucleotide variant.
Coding change: c.970G>A on transcript NM_006000.3 (MANE Select); coding-DNA position 970, G replaced by A.
Protein change: p.Val324Met; replaces valine 324 with methionine.
Molecular consequence: missense variant.
Genome position (GRCh38, 1-based): chr2:219,250,729, C>T on the plus strand (G>A on the coding strand, the complement: TUBA4A is on the minus strand). VCF-style: chr2-219250729-C-T. GRCh37 (hg19) VCF-style: chr2-220115451-C-T.
Other names: c.925G>A, p.Val309Met (NM_001278552.2); short protein forms V309M, V324M.
Identifiers: ClinVar variation 3027167 (VCV003027167.22), dbSNP rs2544993699, ClinGen allele CA350724286.